The following is an entry in ClinVar:

NM_001130987.2(DYSF):c.1276+5G>C

Gene: DYSF (dysferlin; plus strand). Cytogenetic location: 2p13.2.
Variant type: single nucleotide variant.
Coding change: c.1276+5G>C on transcript NM_001130987.2 (MANE Select); 5 bases into the intron after coding-DNA position 1276, G replaced by C.
Molecular consequence: intron variant.
Genome position (GRCh38, 1-based): chr2:71,526,351, G>C. VCF-style: chr2-71526351-G-C. GRCh37 (hg19) VCF-style: chr2-71753481-G-C.
Other names: c.1273+5G>C (NM_001130979.2, NM_001130981.2, NM_001130980.2); c.1180+5G>C (NM_001130978.2, NM_003494.4, NM_001130977.2 and 1 more transcripts); c.1276+5G>C (NM_001130982.2, NM_001130985.2); c.1183+5G>C (NM_001130983.2, NM_001130455.2, NM_001130984.2 and 1 more transcripts).
Identifiers: ClinVar variation 281954 (VCV000281954.23), dbSNP rs766433603, ClinGen allele CA10604017.
Genomic context (GRCh38, chr2:71,526,351, plus strand): 5'-CCTGCGAGGAGCCCACTTCTGCCTGAAGGTCTTCCGGGCCGAGGACTTGCCGCAGAGTGC[G>C]TGGGGCGCGCCCTTGGGTGGGAGGTCTGCAGGAGGCTGGAGGCGCAGGGCTGGTGGGGGT-3'

ClinVar aggregate classification (germline): Pathogenic. Review status: reviewed by expert panel (3 of 4 stars). 8 submissions from 8 submitters: Pathogenic (1). 7 of the submissions do not count toward it. Last evaluated 2026-01-23.

Conditions:
Autosomal recessive limb-girdle muscular dystrophy. Identifiers: Orphanet 102015, MedGen C2931907, MONDO:0015152.
Autosomal recessive limb-girdle muscular dystrophy type 2B (LGMDR2). Also called: MUSCULAR DYSTROPHY, LIMB-GIRDLE, AUTOSOMAL RECESSIVE 2; Limb-girdle muscular dystrophy, type 2B; Limb-Girdle Muscular Dystrophy Type 2B (LGMD2B); MUSCULAR DYSTROPHY, LIMB-GIRDLE, TYPE 3. Identifiers: Orphanet 268, MedGen C1850889, MONDO:0009676, OMIM 253601.
Distal myopathy with anterior tibial onset. Identifiers: Orphanet 178400, MedGen C1847532, MONDO:0011721, OMIM 606768.
Miyoshi muscular dystrophy 1 (MMD1). Identifiers: Orphanet 45448, MedGen C4551973, MONDO:0024545, OMIM 254130.
Neuromuscular disease caused by qualitative or quantitative defects of dysferlin. Also called: Dysferlinopathy; Qualitative or quantitative defects of dysferlin. Identifiers: Orphanet 207073, MedGen C2931687, MONDO:0016145.

gnomAD v4.1: 3 of 1,613,166 alleles (0.00019%); highest among the groups gnomAD compares: Admixed American, 0.005%; no homozygotes.

Submissions (8):

ClinGen Limb Girdle Muscular Dystrophy Variant Curation Expert Panel, ClinGen
Classification: Pathogenic for Autosomal recessive limb-girdle muscular dystrophy. Last evaluated: 2026-01-23. Review status: reviewed by expert panel. Criteria: ClinGen LGMD VCEP ACMG Specifications DYSF V2.0.0. Collection method: curation. Allele origin: germline. Inheritance: Autosomal recessive inheritance.
Comment: The NM_003494.4: c.1180+5G>C variant in DYSF, which is also known as NM_001130987.2: c.1276+5G>C, occurs within the splice donor region of intron 12 and has a SpliceAI score of 0.93 for donor loss and 0.42 for gain of an alternative donor (PP3). This variant has been reported in at least four individuals with clinically suspected LGMD (PMID: 30564623, 34559919, Jain Foundation Dysferlin Registry internal data communication), including in unknown phase with a pathogenic variant in one patient (NM_003494.4: c.2779del p.(Ala927LeufsTer21), 0.5 pts, PMID: 30564623) and in a homozygous state in one individual (0.5 pts, PMID: 30564623) (PM3). At least one patient with this variant in a homozygous state and clinically suspected LGMD displayed disease range dysferlin protein expression, which is highly specific for DYSF-related LGMD (PMID: 30564623, Jain Foundation Dysferlin Registry internal data communication; PP4_Strong). The filtering allele frequency of this variant is 0.0001292 (the upper threshold of the 95% CI of 3/59990 Admixed American chromosomes) in gnomAD v4.1.0, which is greater than the ClinGen LGMD VCEP threshold (≤0.0001) (PM2_Supporting not met). Another nucleotide change affecting the same splice site and with the same predicted splice effect, NM_003494.4: c.1180+5G>A, is classified as pathogenic for autosomal recessive limb girdle muscular dystrophy by the ClinGen LGMD VCEP (PS1). In summary, this variant meets the criteria to be classified as Pathogenic for autosomal recessive limb girdle muscular dystrophy based on the ACMG/AMP criteria applied, as specified by the ClinGen LGMD VCEP (specifications v2.0.0; 01/23/2026): PM3, PP4_Strong, PP3, PS1.

Natera, Inc.
Classification: Likely pathogenic for Limb-girdle muscular dystrophy type 2B. Last evaluated: 2025-05-05. Review status: criteria provided, single submitter. Criteria: Natera Variant Classification Schema (03/2026). Collection method: clinical testing. Allele origin: germline. Not counted in ClinVar's aggregate classification.
Comment: The c.1180+5G>C variant in DYSF is an intronic variant located outside the canonical splice sites. This variant is rare in the general population with a frequency below the threshold expected for the associated phenotype(s). This variant has been observed in one or more individuals affected with the associated recessive disease, as either homozygous or compound heterozygous with a second variant (PMID: 36319958, 29797799). This variant has been identified in one or more affected individuals with a phenotype highly consistent with the associated gene (PMID: 36319958). Computational prediction algorithms indicate this variant is likely to affect gene or protein function. Given the available evidence, this variant is classified as Likely Pathogenic.

Women's Health and Genetics/Laboratory Corporation of America, LabCorp
Classification: Likely pathogenic for Autosomal recessive limb-girdle muscular dystrophy. Last evaluated: 2025-04-20. Review status: criteria provided, single submitter. Criteria: LabCorp Variant Classification Summary - May 2015. Collection method: clinical testing. Allele origin: germline. Not counted in ClinVar's aggregate classification.
Comment: Variant summary: DYSF c.1180+5G>C alters a conserved nucleotide located close to a canonical splice site and therefore could affect mRNA splicing, leading to a significantly altered protein sequence. Several computational tools predict a significant impact on normal splicing: One predict the variant abolishes the canonical 5' splicing donor site. One predict the variant weakens the canonical 5' splicing donor site. However, these predictions have yet to be confirmed by functional studies. Other variant(s) that disrupt this nucleotide have been determined to be pathogenic (PMID: 18853459, 25574751, 27290639). The variant was absent in 248972 control chromosomes. c.1180+5G>C has been observed in individual(s) affected with clinical features of Limb-Girdle Muscular Dystrophy, at-least one of whom had a confirmed biallelic genotype (Feng_2018, Zhong_2021, internal data). These data indicate that the variant may be associated with disease. To our knowledge, no experimental evidence demonstrating an impact on protein function has been reported. The following publications have been ascertained in the context of this evaluation (PMID: 29797799, 34559919). ClinVar contains an entry for this variant (Variation ID: 281954). Based on the evidence outlined above, the variant was classified as likely pathogenic.

GeneDx
Classification: Likely pathogenic. Last evaluated: 2025-02-25. Review status: criteria provided, single submitter. Criteria: GeneDx Variant Classification Process June 2021. Collection method: clinical testing. Allele origin: germline. Affected: yes. Not counted in ClinVar's aggregate classification.
Comment: Not observed at significant frequency in large population cohorts (gnomAD); Intronic variant directly or indirectly altering the +5 splice site in a gene for which loss of function is a known mechanism of disease, and splice predictors support a deleterious effect; This variant is associated with the following publications: (PMID: 29797799, 36319958, 34559919, 27647186)

Fulgent Genetics
Classification: Likely pathogenic for Autosomal recessive limb-girdle muscular dystrophy type 2B; Miyoshi muscular dystrophy 1; Distal myopathy with anterior tibial onset. Last evaluated: 2024-05-01. Review status: criteria provided, single submitter. Criteria: ACMG Guidelines, 2015. Collection method: clinical testing. Allele origin: germline. Not counted in ClinVar's aggregate classification.

Labcorp Genetics (formerly Invitae), Labcorp
Classification: Pathogenic for Neuromuscular disease caused by qualitative or quantitative defects of dysferlin. Last evaluated: 2024-02-05. Review status: criteria provided, single submitter. Criteria: Invitae Variant Classification Sherloc (09022015). Collection method: clinical testing. Allele origin: germline. Not counted in ClinVar's aggregate classification.
Comment: This sequence change falls in intron 12 of the DYSF gene. It does not directly change the encoded amino acid sequence of the DYSF protein. It affects a nucleotide within the consensus splice site. This variant is not present in population databases (gnomAD no frequency). This variant has been observed in individual(s) with limb-girdle muscular dystrophy (PMID: 29797799, 36319958). ClinVar contains an entry for this variant (Variation ID: 281954). Variants that disrupt the consensus splice site are a relatively common cause of aberrant splicing (PMID: 17576681, 9536098). Algorithms developed to predict the effect of sequence changes on RNA splicing suggest that this variant may disrupt the consensus splice site. This variant disrupts the c.1180+5 nucleotide in the DYSF gene. Other variant(s) that disrupt this nucleotide have been determined to be pathogenic (PMID: 18853459, 25574751, 27290639). This suggests that this nucleotide is clinically significant, and that variants that disrupt this position are likely to be disease-causing. For these reasons, this variant has been classified as Pathogenic.

Kariminejad - Najmabadi Pathology & Genetics Center
Classification: Likely pathogenic for Miyoshi muscular dystrophy 1; Autosomal recessive limb-girdle muscular dystrophy type 2B; Distal myopathy with anterior tibial onset. Last evaluated: 2023-04-16. Review status: criteria provided, single submitter. Criteria: ACMG Guidelines, 2015. Collection method: clinical testing. Allele origin: germline. Inheritance: Autosomal recessive inheritance. Affected: yes. Not counted in ClinVar's aggregate classification.
Comment: PP3,PP5,PM2

Eurofins Ntd Llc (ga)
Classification: Uncertain significance. Last evaluated: 2016-12-22. Review status: criteria provided, single submitter. Criteria: EGL Classification Definitions 2015. Collection method: clinical testing. Allele origin: germline. Observed: 2 variant alleles, 1 heterozygote, 1 homozygote. Not counted in ClinVar's aggregate classification.

Literature cited by the submitters: PubMed 36319958 (cited by Natera, Inc. and Labcorp Genetics (formerly Invitae), Labcorp); PubMed 29797799 (cited by 3 submitters); PubMed 34559919 (cited by Women's Health and Genetics/Laboratory Corporation of America, LabCorp); PubMed 17576681 (cited by Labcorp Genetics (formerly Invitae), Labcorp); PubMed 9536098 (cited by Labcorp Genetics (formerly Invitae), Labcorp); PubMed 18853459 (cited by Labcorp Genetics (formerly Invitae), Labcorp); PubMed 25574751 (cited by Labcorp Genetics (formerly Invitae), Labcorp); PubMed 27290639 (cited by Labcorp Genetics (formerly Invitae), Labcorp).